The following is an entry in ClinVar:

NM_144992.5(VWA3B):c.2844-8T>C

Gene: VWA3B (von Willebrand factor A domain containing 3B; plus strand). Cytogenetic location: 2q11.2.
Variant type: single nucleotide variant.
Coding change: c.2844-8T>C on transcript NM_144992.5 (MANE Select); 8 bases into the intron before coding-DNA position 2844, T replaced by C.
Molecular consequence: intron variant.
Genome position (GRCh38, 1-based): chr2:98,270,674, T>C. VCF-style: chr2-98270674-T-C. GRCh37 (hg19) VCF-style: chr2-98887137-T-C.
Other names: c.1815-8T>C (NM_001345864.2).
Identifiers: ClinVar variation 3035537 (VCV003035537.2), dbSNP rs202122043, ClinGen allele CA1793116.

ClinVar aggregate classification (germline): Likely benign (0 of 4 stars; one submission).

Conditions:
VWA3B-related disorder. Also called: VWA3B-related condition.

Allele frequency attached by ClinVar (database versions not stated): 1000 Genomes Project 30x 0.00016; 1000 Genomes Project 0.00020.
gnomAD v4.1: 19 of 1,606,866 alleles (0.0012%); highest among the groups gnomAD compares: African/African-American, 0.024%; no homozygotes.

Submission:

PreventionGenetics, part of Exact Sciences
Classification: Likely benign for VWA3B-related condition. Last evaluated: 2019-08-14. Review status: no assertion criteria provided. Collection method: clinical testing. Allele origin: germline.
Comment: This variant is classified as likely benign based on ACMG/AMP sequence variant interpretation guidelines (Richards et al. 2015 PMID: 25741868, with internal and published modifications).